The following is an entry in ClinVar:

NM_001367624.2(ZNF469):c.2132C>T (p.Pro711Leu)

Gene: ZNF469 (zinc finger protein 469; plus strand). Cytogenetic location: 16q24.2.
Variant type: single nucleotide variant.
Coding change: c.2132C>T on transcript NM_001367624.2 (MANE Select); coding-DNA position 2132, C replaced by T.
Protein change: p.Pro711Leu; replaces proline 711 with leucine.
Molecular consequence: missense variant.
Genome position (GRCh38, 1-based): chr16:88,429,602, C>T. VCF-style: chr16-88429602-C-T. GRCh37 (hg19) VCF-style: chr16-88496010-C-T.
Other names: NM_001127464.1:c.2132C>T; short protein forms P711L.
Identifiers: ClinVar variation 1786429 (VCV001786429.4), dbSNP rs571184307, ClinGen allele CA286373385.

ClinVar aggregate classification (germline): Conflicting classifications of pathogenicity. Review status: criteria provided, conflicting classifications (1 of 4 stars). 2 submissions from 2 submitters: Uncertain significance (1); Likely benign (1). Last evaluated 2023-10-13.

Conditions:
Cardiovascular phenotype. Identifiers: MedGen CN230736.

Submissions (2):

Ambry Genetics
Classification: Likely benign for Cardiovascular phenotype. Last evaluated: 2023-10-13. Review status: criteria provided, single submitter. Criteria: Ambry Variant Classification Scheme 2023. Collection method: clinical testing. Allele origin: germline.

Labcorp Genetics (formerly Invitae), Labcorp
Classification: Uncertain significance. Last evaluated: 2022-01-13. Review status: criteria provided, single submitter. Criteria: Invitae Variant Classification Sherloc (09022015). Collection method: clinical testing. Allele origin: germline.
Comment: This sequence change replaces proline, which is neutral and non-polar, with leucine, which is neutral and non-polar, at codon 711 of the ZNF469 protein (p.Pro711Leu). This variant is present in population databases (no rsID available, gnomAD 0.05%). This variant has not been reported in the literature in individuals affected with ZNF469-related conditions. Algorithms developed to predict the effect of missense changes on protein structure and function output the following: SIFT: "Deleterious"; PolyPhen-2: "Benign"; Align-GVGD: "Class C0". The leucine amino acid residue is found in multiple mammalian species, which suggests that this missense change does not adversely affect protein function. In summary, the available evidence is currently insufficient to determine the role of this variant in disease. Therefore, it has been classified as a Variant of Uncertain Significance.